The following is an entry in ClinVar:

NM_016247.4(IMPG2):c.1772T>C (p.Met591Thr)

Gene: IMPG2 (interphotoreceptor matrix proteoglycan 2; minus strand). Cytogenetic location: 3q12.3.
Variant type: single nucleotide variant.
Coding change: c.1772T>C on transcript NM_016247.4 (MANE Select); coding-DNA position 1772, T replaced by C.
Protein change: p.Met591Thr; replaces methionine 591 with threonine.
Molecular consequence: missense variant.
Genome position (GRCh38, 1-based): chr3:101,244,559, A>G on the plus strand (T>C on the coding strand, the complement: IMPG2 is on the minus strand). VCF-style: chr3-101244559-A-G. GRCh37 (hg19) VCF-style: chr3-100963403-A-G.
Other names: short protein forms M591T.
Identifiers: ClinVar variation 2128464 (VCV002128464.4), dbSNP rs1706453674, ClinGen allele CA353860149.

ClinVar aggregate classification (germline): Uncertain significance (1 of 4 stars; one submission).

Submission:

Labcorp Genetics (formerly Invitae), Labcorp
Classification: Uncertain significance. Last evaluated: 2022-04-20. Review status: criteria provided, single submitter. Criteria: Invitae Variant Classification Sherloc (09022015). Collection method: clinical testing. Allele origin: germline.
Comment: In summary, the available evidence is currently insufficient to determine the role of this variant in disease. Therefore, it has been classified as a Variant of Uncertain Significance. Algorithms developed to predict the effect of missense changes on protein structure and function are either unavailable or do not agree on the potential impact of this missense change (SIFT: "Deleterious"; PolyPhen-2: "Benign"; Align-GVGD: "Class C25"). This variant has not been reported in the literature in individuals affected with IMPG2-related conditions. This variant is not present in population databases (gnomAD no frequency). This sequence change replaces methionine, which is neutral and non-polar, with threonine, which is neutral and polar, at codon 591 of the IMPG2 protein (p.Met591Thr).